The following is an entry in ClinVar:

NM_000428.3(LTBP2):c.1587C>G (p.Ile529Met)

Gene: LTBP2 (latent transforming growth factor beta binding protein 2; minus strand). Cytogenetic location: 14q24.3.
Variant type: single nucleotide variant.
Coding change: c.1587C>G on transcript NM_000428.3 (MANE Select); coding-DNA position 1587, C replaced by G.
Protein change: p.Ile529Met; replaces isoleucine 529 with methionine.
Molecular consequence: missense variant.
Genome position (GRCh38, 1-based): chr14:74,551,163, G>C on the plus strand (C>G on the coding strand, the complement: LTBP2 is on the minus strand). VCF-style: chr14-74551163-G-C. GRCh37 (hg19) VCF-style: chr14-75017866-G-C.
Other names: short protein forms I529M.
Identifiers: ClinVar variation 2012566 (VCV002012566.4), dbSNP rs761075181, ClinGen allele CA263606378.

ClinVar aggregate classification (germline): Uncertain significance (1 of 4 stars; one submission).

gnomAD v4.1: 1 of 1,613,960 alleles (0.000062%); highest among the groups gnomAD compares: Non-Finnish European, 0.000085%; no homozygotes.

Submission:

Labcorp Genetics (formerly Invitae), Labcorp
Classification: Uncertain significance. Last evaluated: 2022-06-30. Review status: criteria provided, single submitter. Criteria: Invitae Variant Classification Sherloc (09022015). Collection method: clinical testing. Allele origin: germline.
Comment: This variant has not been reported in the literature in individuals affected with LTBP2-related conditions. This variant is not present in population databases (gnomAD no frequency). This sequence change replaces isoleucine, which is neutral and non-polar, with methionine, which is neutral and non-polar, at codon 529 of the LTBP2 protein (p.Ile529Met). Algorithms developed to predict the effect of missense changes on protein structure and function are either unavailable or do not agree on the potential impact of this missense change (SIFT: "Deleterious"; PolyPhen-2: "Probably Damaging"; Align-GVGD: "Class C0"). In summary, the available evidence is currently insufficient to determine the role of this variant in disease. Therefore, it has been classified as a Variant of Uncertain Significance.